The following is an entry in ClinVar:

NM_005876.5(SPEG):c.7941_7942delinsTT (p.Gly2648Cys)

Genes: ASIC4-AS1 (ASIC4 antisense RNA 1; minus strand), SPEG (striated muscle enriched protein kinase; plus strand). Cytogenetic location: 2q35.
Variant type: Indel.
Coding change: c.7941_7942delinsTT on transcript NM_005876.5 (MANE Select); coding-DNA positions 7941 to 7942, GG replaced by TT.
Protein change: p.Gly2648Cys; replaces glycine 2648 with cysteine.
Molecular consequence: missense variant.
Genome position (GRCh38, 1-based): chr2:219,488,580-219,488,581, GG replaced by TT. VCF-style: chr2-219488580-GG-TT. GRCh37 (hg19) VCF-style: chr2-220353302-GG-TT.
Other names: short protein forms G2648C.
Identifiers: ClinVar variation 1936239 (VCV001936239.5), dbSNP rs2545997311, ClinGen allele CA2580065957.

ClinVar aggregate classification (germline): Uncertain significance (1 of 4 stars; one submission).

Submission:

Labcorp Genetics (formerly Invitae), Labcorp
Classification: Uncertain significance. Last evaluated: 2022-06-30. Review status: criteria provided, single submitter. Criteria: Invitae Variant Classification Sherloc (09022015). Collection method: clinical testing. Allele origin: germline.
Comment: In summary, the available evidence is currently insufficient to determine the role of this variant in disease. Therefore, it has been classified as a Variant of Uncertain Significance. Experimental studies and prediction algorithms are not available or were not evaluated, and the functional significance of this variant is currently unknown. This variant has not been reported in the literature in individuals affected with SPEG-related conditions. Information on the frequency of this variant in the gnomAD database is not available, as this variant may be reported differently in the database. This sequence change replaces glycine, which is neutral and non-polar, with cysteine, which is neutral and slightly polar, at codon 2648 of the SPEG protein (p.Gly2648Cys).